The following is an entry in ClinVar:

NM_002373.6(MAP1A):c.5492A>G (p.Asn1831Ser)

Gene: MAP1A (microtubule associated protein 1A; plus strand). Cytogenetic location: 15q15.3.
Variant type: single nucleotide variant.
Coding change: c.5492A>G on transcript NM_002373.6 (MANE Select); coding-DNA position 5492, A replaced by G.
Protein change: p.Asn1831Ser; replaces asparagine 1831 with serine.
Molecular consequence: missense variant.
Genome position (GRCh38, 1-based): chr15:43,526,965, A>G. VCF-style: chr15-43526965-A-G. GRCh37 (hg19) VCF-style: chr15-43819163-A-G.
Other names: c.6206A>G, p.Asn2069Ser (NM_001411089.1); short protein forms N1831S, N2069S.
Identifiers: ClinVar variation 3122677 (VCV003122677.2), dbSNP rs755182861, ClinGen allele CA7526712.

ClinVar aggregate classification (germline): Uncertain significance (1 of 4 stars; one submission).

Allele frequency attached by ClinVar (database versions not stated): gnomAD exomes 0.00004; gnomAD 0.00005; TOPMed 0.00006; ExAC 0.00007.
gnomAD v4.1: 73 of 1,613,618 alleles (0.0045%); highest among the groups gnomAD compares: Middle Eastern, 0.15%; 1 homozygote.

Submission:

Ambry Genetics
Classification: Uncertain significance. Last evaluated: 2025-12-30. Review status: criteria provided, single submitter. Criteria: Ambry Variant Classification Scheme 2023. Collection method: clinical testing. Allele origin: germline.
Comment: The c.5492A>G (p.N1831S) alteration is located in exon 4 (coding exon 1) of the MAP1A gene. This alteration results from a A to G substitution at nucleotide position 5492, causing the asparagine (N) at amino acid position 1831 to be replaced by a serine (S). Based on data from gnomAD, the G allele has an overall frequency of 0.006% (14/248574) total alleles studied. The highest observed frequency was 0.033% (2/6030) of Other alleles. Based on insufficient or conflicting evidence, the clinical significance of this alteration remains unclear.